The following is an entry in ClinVar:

ClinVar aggregate classification (germline): Likely pathogenic (1 of 4 stars; one submission).

Conditions:
Upshaw-Schulman syndrome (TTP). Also called: THROMBOTIC THROMBOCYTOPENIC PURPURA, HEREDITARY; Congenital thrombotic thrombocytopenic purpura. Identifiers: Orphanet 93583, MedGen C1268935, MONDO:0010122, OMIM 274150.

Allele frequency attached by ClinVar (database versions not stated): ExAC 0.00003; gnomAD 0.00003.
gnomAD v4.1: 20 of 1,612,904 alleles (0.0012%); highest among the groups gnomAD compares: South Asian, 0.022%; no homozygotes.

Submission:

Neuberg Centre For Genomic Medicine, NCGM
Classification: Likely pathogenic for Upshaw-Schulman syndrome. Review status: criteria provided, single submitter. Criteria: ACMG Guidelines, 2015. Collection method: clinical testing. Allele origin: germline. Inheritance: Autosomal recessive inheritance. Affected: yes.
Comment: The c.1921G>A (p.Glu641Lys) variant in ADAMTS13 gene has been reported in homozygous state in only one individual affected with Thrombotic thrombocytopenic purpura, hereditary (Chou SC et al.). This variant has allele frequency of 0.0028% in the gnomAD and novel in 1000 genome database. The amino acid Glu at position 641 is changed to a Lys changing protein sequence and it might alter its composition and physico-chemical properties The amino acid change p.Glu641Lys in ADAMTS13 is predicted as conserved by GERP++ and PhyloP across 100 vertebrates. For these reasons, this variant has been classified as Likely Pathogenic

NM_139027.6(ADAMTS13):c.1921G>A (p.Glu641Lys)

Gene: ADAMTS13 (ADAM metallopeptidase with thrombospondin type 1 motif 13; plus strand). Cytogenetic location: 9q34.2.
Variant type: single nucleotide variant.
Coding change: c.1921G>A on transcript NM_139027.6 (MANE Select); coding-DNA position 1921, G replaced by A.
Protein change: p.Glu641Lys; replaces glutamic acid 641 with lysine.
Molecular consequence: missense variant. On other transcripts: non-coding transcript variant (1).
Genome position (GRCh38, 1-based): chr9:133,440,478, G>A. VCF-style: chr9-133440478-G-A. GRCh37 (hg19) VCF-style: chr9-136305599-G-A.
Other names: c.1921G>A, p.Glu641Lys (NM_139025.5); c.1828G>A, p.Glu610Lys (NM_139026.6); short protein forms E641K, E610K.
Identifiers: ClinVar variation 2585552 (VCV002585552.1), dbSNP rs782547718, ClinGen allele CA200932571.
Genomic context (GRCh38, chr9:133,440,478, plus strand): 5'-CTGGAGGATGGTCGTGTCGAGTACAGAGTGGCCCTCACCGAGGACCGGCTGCCCCGCCTG[G>A]AGGAGATCCGCATCTGGGGACCCCTCCAGGAAGATGCTGACATCCAGGTCAGCAGGAGAG-3'
Protein context (NP_620596.2, residues 631-651): ALTEDRLPRL[Glu641Lys]EIRIWGPLQE